The following is an entry in ClinVar:

ClinVar aggregate classification (germline): Conflicting classifications of pathogenicity. Review status: criteria provided, conflicting classifications (1 of 4 stars). 3 submissions from 3 submitters: Uncertain significance (2); Likely benign (1). Last evaluated 2026-07-01.

Allele frequency attached by ClinVar (database versions not stated): ExAC 0.00002; gnomAD exomes 0.00002; ESP Exome Variant Server 0.00008.
gnomAD v4.1: 30 of 1,614,094 alleles (0.0019%); highest among the groups gnomAD compares: Non-Finnish European, 0.0025%; no homozygotes.

Submissions (3):

CeGaT Center for Human Genetics Tuebingen
Classification: Likely benign. Last evaluated: 2026-07-01. Review status: criteria provided, single submitter. Criteria: CeGaT Center For Human Genetics Tuebingen Variant Classification Criteria Version 2. Collection method: clinical testing. Allele origin: germline. Affected: yes. Observed: 1 variant allele.
Comment: TUBGCP6: BP4

Labcorp Genetics (formerly Invitae), Labcorp
Classification: Uncertain significance. Last evaluated: 2025-10-14. Review status: criteria provided, single submitter. Criteria: Invitae Variant Classification Sherloc (09022015). Collection method: clinical testing. Allele origin: germline.
Comment: This sequence change replaces serine, which is neutral and polar, with asparagine, which is neutral and polar, at codon 685 of the TUBGCP6 protein (p.Ser685Asn). This variant is present in population databases (rs373028238, gnomAD 0.004%). This variant has not been reported in the literature in individuals affected with TUBGCP6-related conditions. ClinVar contains an entry for this variant (Variation ID: 1487214). An algorithm developed to predict the effect of missense changes on protein structure and function (PolyPhen-2) suggests that this variant is likely to be tolerated. In summary, the available evidence is currently insufficient to determine the role of this variant in disease. Therefore, it has been classified as a Variant of Uncertain Significance.

Blueprint Genetics
Classification: Uncertain significance. Last evaluated: 2021-08-24. Review status: criteria provided, single submitter. Criteria: ACMG Guidelines, 2015. Collection method: clinical testing. Allele origin: germline.

NM_020461.4(TUBGCP6):c.2054G>A (p.Ser685Asn)

Gene: TUBGCP6 (tubulin gamma complex component 6; minus strand). Cytogenetic location: 22q13.33.
Variant type: single nucleotide variant.
Coding change: c.2054G>A on transcript NM_020461.4 (MANE Select); coding-DNA position 2054, G replaced by A.
Protein change: p.Ser685Asn; replaces serine 685 with asparagine.
Molecular consequence: missense variant.
Genome position (GRCh38, 1-based): chr22:50,224,522, C>T on the plus strand (G>A on the coding strand, the complement: TUBGCP6 is on the minus strand). VCF-style: chr22-50224522-C-T. GRCh37 (hg19) VCF-style: chr22-50662951-C-T.
Other names: short protein forms S685N.
Identifiers: ClinVar variation 1487214 (VCV001487214.7), dbSNP rs373028238, ClinGen allele CA10308389.